The following is an entry in ClinVar:

ClinVar aggregate classification (germline): Pathogenic. Review status: reviewed by expert panel (3 of 4 stars). 16 submissions from 16 submitters: Pathogenic (1). 15 of the submissions do not count toward it. Last evaluated 2026-04-15.

Conditions:
PAH-related disorder. Also called: PAH-related condition.
Inborn genetic diseases. Identifiers: MedGen C0950123, MeSH D030342.
Phenylketonuria (PKU). Also called: FOLLING DISEASE; Phenylketonurias; Phenylketonuria (PKU); OLIGOPHRENIA PHENYLPYRUVICA. Identifiers: Orphanet 716, MedGen C0031485, MONDO:0009861, OMIM 261600. Disease mechanism: loss of function.
Hyperphenylalaninemia. Also called: Hyperphenylalaninemia (HPA); Hyperphenylalaninemia, non-pku; Hyperphenylalaninaemia. Identifiers: MedGen C0751435, HP:0004923.

Allele frequency attached by ClinVar (database versions not stated): TOPMed 0.00005; gnomAD exomes 0.00013 and 0.00008; 1000 Genomes Project 30x 0.00016; gnomAD 0.00004 and 0.00005; ExAC 0.00008; 1000 Genomes Project 0.00020.
gnomAD v4.1: 187 of 1,613,804 alleles (0.012%); highest among the groups gnomAD compares: Admixed American, 0.017%; no homozygotes.

Submissions 1 to 11 of 16:

ClinGen PAH Variant Curation Expert Panel
Classification: Pathogenic for Phenylketonuria. Last evaluated: 2026-04-15. Review status: reviewed by expert panel. Criteria: ClinGen PAH ACMG Specifications PAH V2.0.0. Collection method: curation. Allele origin: germline. Inheritance: Autosomal recessive inheritance.
Comment: The c.261C>A variant in PAH is a missense variant predicted to cause substitution of serine by arginine at amino acid 87 (p.Ser87Arg). At least one patient with this variant displayed plasma phenylalanine concentration persistently above 120umol/L (2mg/dL) AND normal urine pterins and normal DHPR activity, which is highly specific for PAH deficiency (PP4_Moderate, PMID: 15464430). This variant has been detected in at least 7 individuals with PAH deficiency who were compound heterozygous for the variant and distinct pathogenic or likely pathogenic variants and 2 of those were confirmed in trans by parental testing (4.0 PM3 points, PMID: 8088845, 10495930, 15464430, 23514811, 26666653, 31623983; PM3_Very-strong). The allele frequency in gnomAD v4.1.0 is 0.0001159, which is lower than the ClinGen PAH Variant Curation Expert Panel threshold (<0.0002) for PM2_Supporting, meeting this criterion (PM2_Supporting). Expression of this variant in a mammalian transcription-translation system showed <50% enzyme activity in vitro with < 10 benign/pathogenic variant controls indicating that this variant impacts protein function (PMID:11161839)(PS3_supporting). The computational predictor REVEL gives a score of 0.633, which is neither above nor below the thresholds predicting a damaging or benign impact on PAH function. In summary, this variant meets the criteria to be classified as Pathogenic for autosomal recessive PAH deficiency based on the ACMG/AMP criteria applied, as specified by the ClinGen PAH Variant Curation Expert Panel: PP4_moderate, PS3_supporting, PM2_supporting, PM3_very-strong (PAH VCEP specifications version 2.0.0; approved July 16, 2024).

Labcorp Genetics (formerly Invitae), Labcorp
Classification: Pathogenic for Phenylketonuria. Last evaluated: 2026-01-20. Review status: criteria provided, single submitter. Criteria: Invitae Variant Classification Sherloc (09022015). Collection method: clinical testing. Allele origin: germline. Not counted in ClinVar's aggregate classification.
Comment: This sequence change replaces serine, which is neutral and polar, with arginine, which is basic and polar, at codon 87 of the PAH protein (p.Ser87Arg). This variant is present in population databases (rs62516151, gnomAD 0.01%). This missense change has been observed in individual(s) with hyperphenylalaninemia (PMID: 8088845, 10495930). ClinVar contains an entry for this variant (Variation ID: 583). Invitae Evidence Modeling of protein sequence and biophysical properties (such as structural, functional, and spatial information, amino acid conservation, physicochemical variation, residue mobility, and thermodynamic stability) indicates that this missense variant is not expected to disrupt PAH protein function with a negative predictive value of 80%. Experimental studies have shown that this missense change affects PAH function (PMID: 23500595). For these reasons, this variant has been classified as Pathogenic.

Natera, Inc.
Classification: Pathogenic for Phenylketonuria. Last evaluated: 2025-11-14. Review status: criteria provided, single submitter. Criteria: Natera Variant Classification Schema (03/2026). Collection method: clinical testing. Allele origin: germline. Not counted in ClinVar's aggregate classification.
Comment: The c.261C>A variant in PAH is a missense variant predicted to cause substitution of serine to arginine at amino acid 87. This variant is rare in the general population with a frequency below the threshold expected for the associated phenotype(s). This variant has been observed in one or more individuals affected with the associated recessive disease, as either homozygous or compound heterozygous with a second variant (PMID: 33465300, 26542770). Given the available evidence, this variant is classified as Pathogenic.

Blueprint Genetics
Classification: Pathogenic for PAH-related disorders. Last evaluated: 2024-06-05. Review status: criteria provided, single submitter. Criteria: ACMG Guidelines, 2015. Collection method: clinical testing. Allele origin: germline. Affected: yes. Observed: 5 variant alleles. Not counted in ClinVar's aggregate classification.

Department of Human Genetics, Hannover Medical School
Classification: Likely pathogenic for Phenylketonuria. Last evaluated: 2023-03-24. Review status: criteria provided, single submitter. Criteria: ACMG Guidelines, 2015. Collection method: clinical testing. Allele origin: germline. Inheritance: Autosomal recessive inheritance. Affected: yes. Not counted in ClinVar's aggregate classification.

Ambry Genetics
Classification: Pathogenic for Inborn genetic diseases. Last evaluated: 2021-01-26. Review status: criteria provided, single submitter. Criteria: Ambry Variant Classification Scheme 2023. Collection method: clinical testing. Allele origin: germline. Not counted in ClinVar's aggregate classification.
Comment: The c.261C>A (p.S87R) alteration is located in coding exon 3 of the PAH gene. This alteration results from a C to A substitution at nucleotide position 261, causing the serine (S) at amino acid position 87 to be replaced by an arginine (R). Based on data from the Genome Aggregation Database (gnomAD), the PAH c.261C>A alteration was not observed, with coverage at this position. The c.261C>A (p.S87R) alteration has been reported in combination with a second pathogenic alteration in multiple unrelated families presenting with hyperphenylalaninemia and mild PKU (Bueno, 2013; Desviat, 2004; Guldberg, 1993; Jeannesson-Thivisol, 2015; Rajabi, 2019). The p.S87 amino acid is not conserved in available vertebrate species. The in silico prediction for the p.S87R alteration is inconclusive. Based on the available evidence, this alteration is classified as pathogenic.

Revvity Omics, Revvity
Classification: Likely pathogenic for Phenylketonuria. Last evaluated: 2019-12-24. Review status: criteria provided, single submitter. Criteria: ACMG Guidelines, 2015. Collection method: clinical testing. Allele origin: germline. Not counted in ClinVar's aggregate classification.

Fulgent Genetics
Classification: Likely pathogenic for Phenylketonuria. Last evaluated: 2018-10-31. Review status: criteria provided, single submitter. Criteria: ACMG Guidelines, 2015. Collection method: clinical testing. Allele origin: unknown. Not counted in ClinVar's aggregate classification.

Illumina Laboratory Services, Illumina
Classification: Pathogenic for Phenylketonuria. Last evaluated: 2018-08-14. Review status: criteria provided, single submitter. Criteria: ICSL Variant Classification Criteria 09 May 2019. Collection method: clinical testing. Allele origin: germline. Not counted in ClinVar's aggregate classification.
Comment: The PAH c.261C>A (p.Ser87Arg) missense variant has been reported in a compound heterozygous state in six unrelated individuals with phenylalanine hydroxylase deficiency, including in five with mild hyperphenylalaninemia and in one with mild phenylketonuria (Guldberg et al. 1994; Zekanowski et al. 1999; Desviat et al. 2004; Bueno et al. 2013; Ohlsson et al. 2017). The p.Ser87Arg variant was also identified in at least one additional individual, but the zygosity of the variant was not provided (ZurflÃ¼h et al. 2008; Couce et al. 2013). The variant was absent from 220 control chromosomes, but is reported at a frequency of 0.00014 in the European (non-Finnish) population of the Exome Aggregation Consortium. In addition, Couce et al. (2013) report data from the PAHdb which indicates in vitro residual PAH activity at 25-82% of wild type for the variant. Based on the evidence, the p.Ser87Arg variant is classified as pathogenic for phenylalanine hydroxylase deficiency. This variant was observed by ICSL as part of a predisposition screen in an ostensibly healthy population.

Women's Health and Genetics/Laboratory Corporation of America, LabCorp
Classification: Pathogenic for Hyperphenylalaninemia. Last evaluated: 2017-08-07. Review status: criteria provided, single submitter. Criteria: LabCorp Variant Classification Summary - May 2015. Collection method: clinical testing. Allele origin: germline. Not counted in ClinVar's aggregate classification.
Comment: Variant summary: The PAH c.261C>A (p.Ser87Arg) variant involves the alteration of a non-conserved nucleotide and 2/4 in silico tools (MutationTaster not captured here due to low p-value) predict a damaging outcome. This variant was found in 10/121410 control chromosomes at a frequency of 0.0000824, which does not exceed the estimated maximal expected allele frequency of a pathogenic PAH variant (0.0079057). The variant of interest has been reported in affected individuals via publication, predominantly showing a mild HPA phenotype. In addition, a clinical diagnostic laboratory and reputable database classified this variant as pathogenic. Taken together, this variant is classified as pathogenic.

Clinical Genetics Service, Universitary Hospital 12 de Octubre
Classification: Pathogenic for Phenylketonuria. Review status: criteria provided, single submitter. Criteria: ACMG Guidelines, 2015. Collection method: clinical testing. Allele origin: paternal. Affected: yes. Not counted in ClinVar's aggregate classification.

NM_000277.3(PAH):c.261C>A (p.Ser87Arg)

Gene: PAH (phenylalanine hydroxylase; minus strand). Cytogenetic location: 12q23.2.
Variant type: single nucleotide variant.
Coding change: c.261C>A on transcript NM_000277.3 (MANE Select); coding-DNA position 261, C replaced by A.
Protein change: p.Ser87Arg; replaces serine 87 with arginine.
Molecular consequence: missense variant.
Genome position (GRCh38, 1-based): chr12:102,894,826, G>T on the plus strand (C>A on the coding strand, the complement: PAH is on the minus strand). VCF-style: chr12-102894826-G-T. GRCh37 (hg19) VCF-style: chr12-103288604-G-T.
Other names: NM_000277.3(PAH):c.261C>A; c.261C>A (NM_000277.2); c.261C>A, p.Ser87Arg (NM_001354304.2); short protein forms S87R.
Identifiers: ClinVar variation 583 (VCV000000583.32), dbSNP rs62516151, ClinGen allele CA114359.
Genomic context (GRCh38, chr12:102,894,826, plus strand): 5'-ATGGACAGTGGCACCAATGTCATGCCTCAAGATCTTGATGATGTTTGTCAGAGCAGGCAG[G>T]CTACGTTTATCCAAATGGGTGAAAAATTCATACTCATCTTTCTTTAAACGAGAAGGTCTA-3'
Protein context (NP_000268.1, residues 77-97): YEFFTHLDKR[Ser87Arg]LPALTNIIKI